The following is an entry in ClinVar:

ClinVar aggregate classification (germline): Uncertain significance (1 of 4 stars; one submission).

Submission:

Labcorp Genetics (formerly Invitae), Labcorp
Classification: Uncertain significance. Last evaluated: 2022-01-16. Review status: criteria provided, single submitter. Criteria: Invitae Variant Classification Sherloc (09022015). Collection method: clinical testing. Allele origin: germline.
Comment: In summary, the available evidence is currently insufficient to determine the role of this variant in disease. Therefore, it has been classified as a Variant of Uncertain Significance. Algorithms developed to predict the effect of missense changes on protein structure and function are either unavailable or do not agree on the potential impact of this missense change (SIFT: "Not Available"; PolyPhen-2: "Benign"; Align-GVGD: "Not Available"). This variant has not been reported in the literature in individuals affected with EGF-related conditions. This variant is not present in population databases (gnomAD no frequency). This sequence change replaces tyrosine, which is neutral and polar, with serine, which is neutral and polar, at codon 515 of the EGF protein (p.Tyr515Ser).

NM_001963.6(EGF):c.1544A>C (p.Tyr515Ser)

Gene: EGF (epidermal growth factor; plus strand). Cytogenetic location: 4q25.
Variant type: single nucleotide variant.
Coding change: c.1544A>C on transcript NM_001963.6 (MANE Select); coding-DNA position 1544, A replaced by C.
Protein change: p.Tyr515Ser; replaces tyrosine 515 with serine.
Molecular consequence: missense variant.
Genome position (GRCh38, 1-based): chr4:109,964,506, A>C. VCF-style: chr4-109964506-A-C. GRCh37 (hg19) VCF-style: chr4-110885662-A-C.
Other names: c.1544A>C, p.Tyr515Ser (NM_001178130.3); c.1418A>C, p.Tyr473Ser (NM_001178131.3, NM_001357021.2); short protein forms Y473S, Y515S.
Identifiers: ClinVar variation 2086220 (VCV002086220.4), dbSNP rs2545789921, ClinGen allele CA357881941.